The following is an entry in ClinVar:

NM_001563.4(IMPG1):c.2123C>T (p.Ala708Val)

Gene: IMPG1 (interphotoreceptor matrix proteoglycan 1; minus strand). Cytogenetic location: 6q14.1.
Variant type: single nucleotide variant.
Coding change: c.2123C>T on transcript NM_001563.4 (MANE Select); coding-DNA position 2123, C replaced by T.
Protein change: p.Ala708Val; replaces alanine 708 with valine.
Molecular consequence: missense variant.
Genome position (GRCh38, 1-based): chr6:75,931,073, G>A on the plus strand (C>T on the coding strand, the complement: IMPG1 is on the minus strand). VCF-style: chr6-75931073-G-A. GRCh37 (hg19) VCF-style: chr6-76640790-G-A.
Other names: c.1889C>T, p.Ala630Val (NM_001282368.2); short protein forms A630V, A708V.
Identifiers: ClinVar variation 1001197 (VCV001001197.8), dbSNP rs765332581, ClinGen allele CA3897925.

ClinVar aggregate classification (germline): Uncertain significance (1 of 4 stars; one submission).

Allele frequency attached by ClinVar (database versions not stated): gnomAD exomes below 0.00001 and 0.00002; gnomAD 0.00001; TOPMed 0.00001; ExAC 0.00002.
gnomAD v4.1: 9 of 1,614,016 alleles (0.00056%); highest among the groups gnomAD compares: African/African-American, 0.0053%; no homozygotes.

Submission:

Labcorp Genetics (formerly Invitae), Labcorp
Classification: Uncertain significance. Last evaluated: 2022-09-27. Review status: criteria provided, single submitter. Criteria: Invitae Variant Classification Sherloc (09022015). Collection method: clinical testing. Allele origin: germline.
Comment: In summary, the available evidence is currently insufficient to determine the role of this variant in disease. Therefore, it has been classified as a Variant of Uncertain Significance. Algorithms developed to predict the effect of missense changes on protein structure and function output the following: SIFT: "Tolerated"; PolyPhen-2: "Benign"; Align-GVGD: "Class C0". The valine amino acid residue is found in multiple mammalian species, which suggests that this missense change does not adversely affect protein function. ClinVar contains an entry for this variant (Variation ID: 1001197). This variant has not been reported in the literature in individuals affected with IMPG1-related conditions. This variant is present in population databases (rs765332581, gnomAD 0.01%). This sequence change replaces alanine, which is neutral and non-polar, with valine, which is neutral and non-polar, at codon 708 of the IMPG1 protein (p.Ala708Val).